The following is an entry in ClinVar:

NM_001360016.2(G6PD):c.1287+3G>C

Gene: G6PD (glucose-6-phosphate dehydrogenase; minus strand). Cytogenetic location: Xq28.
Variant type: single nucleotide variant.
Coding change: c.1287+3G>C on transcript NM_001360016.2 (MANE Select); 3 bases into the intron after coding-DNA position 1287, G replaced by C.
Molecular consequence: intron variant.
Genome position (GRCh38, 1-based): chrX:154,532,564, C>G on the plus strand (G>C on the coding strand, the complement: G6PD is on the minus strand). VCF-style: chrX-154532564-C-G. GRCh37 (hg19) VCF-style: chrX-153760779-C-G.
Other names: c.1377+3G>C (NM_000402.4); c.1287+3G>C (NM_001042351.3, NM_001042351.2).
Identifiers: ClinVar variation 914748 (VCV000914748.11), dbSNP rs782786750, ClinGen allele CA10566060.

ClinVar aggregate classification (germline): Uncertain significance. Review status: criteria provided, multiple submitters, no conflicts (2 of 4 stars). 4 submissions from 4 submitters: Uncertain significance (3). 1 of the submissions does not count toward it. Last evaluated 2025-08-24.

Conditions:
G6PD-related disorder. Also called: G6PD-related condition.
Anemia, nonspherocytic hemolytic, due to G6PD deficiency (CNSHA1). Also called: Hemolytic anemia due to G6PD deficiency; Class I glucose-6-phosphate dehydrogenase deficiency; Favism, susceptibility to; ANEMIA, CONGENITAL, NONSPHEROCYTIC HEMOLYTIC, 1. Identifiers: Orphanet 466026, MedGen C2720289, MONDO:0010480, OMIM 300908.
G6PD deficiency. Also called: G6PD A-. Identifiers: MedGen C2939465, MONDO:0005775.

Allele frequency attached by ClinVar (database versions not stated): ExAC 0.00001; gnomAD exomes 0.00004 and 0.00006; gnomAD 0.00007 and 0.00008; TOPMed 0.00015.
gnomAD v4.1: 71 of 1,210,202 alleles (0.0059%); highest among the groups gnomAD compares: Admixed American, 0.015%; no homozygotes.

Submissions (4):

Labcorp Genetics (formerly Invitae), Labcorp
Classification: Uncertain significance for Anemia, nonspherocytic hemolytic, due to G6PD deficiency. Last evaluated: 2025-08-24. Review status: criteria provided, single submitter. Criteria: Invitae Variant Classification Sherloc (09022015). Collection method: clinical testing. Allele origin: germline.
Comment: This sequence change falls in intron 10 of the G6PD gene. It does not directly change the encoded amino acid sequence of the G6PD protein. It affects a nucleotide within the consensus splice site. This variant is present in population databases (rs782786750, gnomAD 0.008%). This variant has not been reported in the literature in individuals affected with G6PD-related conditions. ClinVar contains an entry for this variant (Variation ID: 914748). Variants that disrupt the consensus splice site are a relatively common cause of aberrant splicing (PMID: 17576681, 9536098). Algorithms developed to predict the effect of sequence changes on RNA splicing suggest that this variant may disrupt the consensus splice site. In summary, the available evidence is currently insufficient to determine the role of this variant in disease. Therefore, it has been classified as a Variant of Uncertain Significance.

Revvity Omics, Revvity
Classification: Uncertain significance for Anemia, nonspherocytic hemolytic, due to G6PD deficiency. Last evaluated: 2024-06-21. Review status: criteria provided, single submitter. Criteria: ACMG Guidelines, 2015. Collection method: clinical testing. Allele origin: germline.

Illumina Laboratory Services, Illumina
Classification: Uncertain significance for Glucose 6 phosphate dehydrogenase deficiency. Last evaluated: 2018-01-12. Review status: criteria provided, single submitter. Criteria: ICSL Variant Classification Criteria 13 December 2019. Collection method: clinical testing. Allele origin: germline.

PreventionGenetics, part of Exact Sciences
Classification: Likely benign for G6PD-related condition. Last evaluated: 2023-08-24. Review status: no assertion criteria provided. Collection method: clinical testing. Allele origin: germline. Not counted in ClinVar's aggregate classification.
Comment: This variant is classified as likely benign based on ACMG/AMP sequence variant interpretation guidelines (Richards et al. 2015 PMID: 25741868, with internal and published modifications).

Literature cited by the submitters: PubMed 17576681 (cited by Labcorp Genetics (formerly Invitae), Labcorp); PubMed 9536098 (cited by Labcorp Genetics (formerly Invitae), Labcorp).